The following is an entry in ClinVar:

NM_014714.4(IFT140):c.46_57del (p.Gly16_Ser19del)

Genes: IFT140 (intraflagellar transport 140; minus strand), LOC105371046 (uncharacterized LOC105371046; plus strand). Cytogenetic location: 16p13.3.
Variant type: Deletion.
Coding change: c.46_57del on transcript NM_014714.4 (MANE Select); coding-DNA positions 46 to 57, 12 bases deleted (GGGTCACCCTCA).
Protein change: p.Gly16_Ser19del.
Molecular consequence: inframe deletion.
Genome position (GRCh38, 1-based): chr16:1,607,210-1,607,221, TGAGGGTGACCC deleted on the plus strand (GGGTCACCCTCA on the coding strand, the reverse complement: IFT140 is on the minus strand); deleting any 12 consecutive bases within chr16:1,607,210-1,607,223 gives the same sequence; the c. name uses the placement nearest the transcript's 3' end. VCF-style (leftmost placement, unchanged base first): chr16-1607209-ATGAGGGTGACCC-A. GRCh37 (hg19) VCF-style: chr16-1657210-ATGAGGGTGACCC-A.
Identifiers: ClinVar variation 1922234 (VCV001922234.6), dbSNP rs1319813919, ClinGen allele CA620701461.
Genomic context (GRCh38, chr16:1,607,209, plus strand): 5'-TTGAGGTTGTGCTGATGTAAGCAACTGCCAAGAATGGATGGACAGGGTGCCAGCTGATAA[ATGAGGGTGACCC>A]TGCTGCATCCGGGGCTTCTATCTGGTGGTCATAATAGAGGGCCATGACGGAACTCAGGCC-3'

ClinVar aggregate classification (germline): Uncertain significance. Review status: criteria provided, multiple submitters, no conflicts (2 of 4 stars). 2 submissions from 2 submitters: Uncertain significance (2). Last evaluated 2022-03-18.

Conditions:
Saldino-Mainzer syndrome (SRTD9). Also called: CONORENAL SYNDROME; Renal dysplasia, retinal pigmentary dystrophy, cerebellar ataxia and skeletal dysplasia; SHORT-RIB THORACIC DYSPLASIA 9 WITHOUT POLYDACTYLY; short-rib thoracic dysplasia 9 with or without polydactyly. Identifiers: Orphanet 140969, MedGen C1849437, MONDO:0009964, OMIM 266920.

Submissions (2):

Labcorp Genetics (formerly Invitae), Labcorp
Classification: Uncertain significance for Saldino-Mainzer syndrome. Last evaluated: 2022-03-18. Review status: criteria provided, single submitter. Criteria: Invitae Variant Classification Sherloc (09022015). Collection method: clinical testing. Allele origin: germline.
Comment: This variant, c.46_57del, results in the deletion of 4 amino acid(s) of the IFT140 protein (p.Gly16_Ser19del), but otherwise preserves the integrity of the reading frame. This variant is present in population databases (no rsID available, gnomAD 0.0009%). This variant has not been reported in the literature in individuals affected with IFT140-related conditions. Experimental studies and prediction algorithms are not available or were not evaluated, and the functional significance of this variant is currently unknown. In summary, the available evidence is currently insufficient to determine the role of this variant in disease. Therefore, it has been classified as a Variant of Uncertain Significance.

Blueprint Genetics
Classification: Uncertain significance. Last evaluated: 2021-07-20. Review status: criteria provided, single submitter. Criteria: ACMG Guidelines, 2015. Collection method: clinical testing. Allele origin: germline.